The following is an entry in ClinVar:

ClinVar aggregate classification (germline): Uncertain significance (1 of 4 stars; one submission).

Conditions:
Arrhythmogenic right ventricular dysplasia 8 (ARVD8). Also called: ARRHYTHMOGENIC RIGHT VENTRICULAR DYSPLASIA, FAMILIAL, 8; ARRHYTHMOGENIC RIGHT VENTRICULAR CARDIOMYOPATHY 8; Arrhythmogenic Right Ventricular Dysplasia/Cardiomyopathy 8. Identifiers: MedGen C1843896, MONDO:0011831, OMIM 607450.
Arrhythmogenic cardiomyopathy with wooly hair and keratoderma. Also called: Dilated cardiomyopathy with woolly hair and keratoderma; PALMOPLANTAR KERATODERMA WITH LEFT VENTRICULAR CARDIOMYOPATHY AND WOOLLY HAIR; Carvajal syndrome; Arrhythmogenic cardiomyopathy with woolly hair and keratoderma. Identifiers: Orphanet 65282, MedGen C1854063, MONDO:0011581, OMIM 605676.

Allele frequency attached by ClinVar (database versions not stated): gnomAD exomes below 0.00001; gnomAD 0.00001.
gnomAD v4.1: 2 of 1,614,108 alleles (0.00012%); highest among the groups gnomAD compares: Non-Finnish European, 0.00017%; no homozygotes.

Submission:

Labcorp Genetics (formerly Invitae), Labcorp
Classification: Uncertain significance for Arrhythmogenic cardiomyopathy with wooly hair and keratoderma; Arrhythmogenic right ventricular dysplasia 8. Last evaluated: 2019-09-28. Review status: criteria provided, single submitter. Criteria: Invitae Variant Classification Sherloc (09022015). Collection method: clinical testing. Allele origin: germline.
Comment: In summary, the available evidence is currently insufficient to determine the role of this variant in disease. Therefore, it has been classified as a Variant of Uncertain Significance. This sequence change replaces serine with glycine at codon 2607 of the DSP protein (p.Ser2607Gly). The serine residue is moderately conserved and there is a small physicochemical difference between serine and glycine. This variant is not present in population databases (ExAC no frequency). This variant has not been reported in the literature in individuals with DSP-related conditions. Algorithms developed to predict the effect of missense changes on protein structure and function (SIFT, PolyPhen-2, Align-GVGD) all suggest that this variant is likely to be tolerated, but these predictions have not been confirmed by published functional studies and their clinical significance is uncertain.

NM_004415.4(DSP):c.7819A>G (p.Ser2607Gly)

Gene: DSP (desmoplakin; plus strand). Cytogenetic location: 6p24.3.
Variant type: single nucleotide variant.
Coding change: c.7819A>G on transcript NM_004415.4 (MANE Select); coding-DNA position 7819, A replaced by G.
Protein change: p.Ser2607Gly; replaces serine 2607 with glycine.
Molecular consequence: missense variant.
Genome position (GRCh38, 1-based): chr6:7,585,081, A>G. VCF-style: chr6-7585081-A-G. GRCh37 (hg19) VCF-style: chr6-7585314-A-G.
Other names: c.6022A>G, p.Ser2008Gly (NM_001008844.3); c.6490A>G, p.Ser2164Gly (NM_001319034.2); short protein forms S2008G, S2607G, S2164G.
Identifiers: ClinVar variation 959843 (VCV000959843.9), dbSNP rs1371480664, ClinGen allele CA362693846.